The following is an entry in ClinVar:

ClinVar aggregate classification (germline): Pathogenic. Review status: reviewed by expert panel (3 of 4 stars). 13 submissions from 13 submitters: Pathogenic (1). 12 of the submissions do not count toward it. Last evaluated 2016-09-08.

Conditions:
Hereditary cancer-predisposing syndrome. Also called: Tumor predisposition; Neoplastic Syndromes, Hereditary; Hereditary Cancer Syndrome; Hereditary neoplastic syndrome. Identifiers: Orphanet 140162, MedGen C0027672, MeSH D009386, MONDO:0015356.
Hereditary breast ovarian cancer syndrome. Also called: Hereditary breast and ovarian cancer syndrome (HBOC); Hereditary breast and ovarian cancer syndrome; Hereditary breast and ovarian cancer; Hereditary breast and/or ovarian cancer syndrome; Breast and ovarian cancer; BRCA1- and BRCA2-Associated Hereditary Breast and Ovarian Cancer. Identifiers: Orphanet 145, MedGen C0677776, MeSH D061325, MONDO:0003582. Disease mechanism: loss of function.
Breast-ovarian cancer, familial, susceptibility to, 1 (BROVCA1). Also called: OVARIAN CANCER, SUSCEPTIBILITY TO; BRCA1 Hereditary Breast and Ovarian Cancer. Identifiers: Orphanet 145, MedGen C2676676, MONDO:0011450, OMIM 604370. Disease mechanism: loss of function.

Submissions 1 to 8 of 13:

Evidence-based Network for the Interpretation of Germline Mutant Alleles (ENIGMA)
Classification: Pathogenic for Breast-ovarian cancer, familial, susceptibility to, 1. Last evaluated: 2016-09-08. Review status: reviewed by expert panel. Criteria: ENIGMA BRCA1/2 Classification Criteria (2015). Collection method: curation. Allele origin: germline.
Comment: Variant allele predicted to encode a truncated non-functional protein.

Labcorp Genetics (formerly Invitae), Labcorp
Classification: Pathogenic for Hereditary breast ovarian cancer syndrome. Last evaluated: 2025-12-28. Review status: criteria provided, single submitter. Criteria: Invitae Variant Classification Sherloc (09022015). Collection method: clinical testing. Allele origin: germline. Not counted in ClinVar's aggregate classification.
Comment: This sequence change creates a premature translational stop signal (p.Leu1098Serfs*4) in the BRCA1 gene. It is expected to result in an absent or disrupted protein product. Loss-of-function variants in BRCA1 are known to be pathogenic (PMID: 20104584). This variant is not present in population databases (gnomAD no frequency). This variant has not been reported in the literature in individuals affected with BRCA1-related conditions. This variant is also known as 3407delAA. ClinVar contains an entry for this variant (Variation ID: 54821). For these reasons, this variant has been classified as Pathogenic.

Quest Diagnostics Nichols Institute San Juan Capistrano
Classification: Pathogenic. Last evaluated: 2025-08-05. Review status: criteria provided, single submitter. Criteria: Quest Diagnostics criteria. Collection method: clinical testing. Allele origin: unknown. Not counted in ClinVar's aggregate classification.
Comment: The BRCA1 c.3288_3289del (p.Leu1098Serfs*4) variant alters the translational reading frame of the BRCA1 mRNA and causes the premature termination of BRCA1 protein synthesis. This variant has been reported in the published literature in individuals with breast cancer (PMID: 26187060 (2015), 30287823 (2018), 32318955 (2020), 33461583 (2021), 35464868 (2022), 38922859 (2024)) and ovarian cancer (PMID: 30972954 (2019), 32211327 (2020), 36367610 (2023)). This variant has not been reported in large, multi-ethnic general populations (Genome Aggregation Database). Based on the available information, this variant is classified as pathogenic.

ARUP Laboratories, Molecular Genetics and Genomics, ARUP Laboratories
Classification: Pathogenic. Last evaluated: 2025-06-02. Review status: criteria provided, single submitter. Criteria: ARUP Molecular Germline Variant Investigation Process 2024. Collection method: clinical testing. Allele origin: germline. Not counted in ClinVar's aggregate classification.
Comment: The BRCA1 c.3288_3289del; p.Leu1098SerfsTer4 variant (rs80357686, ClinVar Variation ID: 54821) is reported in the literature in individuals affected with breast or ovarian cancer (Den 2019, Gao 2020, Wen 2018, You 2020). This variant is absent from the Genome Aggregation Database (v2.1.1), indicating it is not a common polymorphism. This variant causes a frameshift by deleting two nucleotides, so it is predicted to result in a truncated protein or mRNA subject to nonsense-mediated decay. Based on available information, this variant is considered to be pathogenic. References: Deng H et al. Comprehensive analysis of serum tumor markers and BRCA1/2 germline mutations in Chinese ovarian cancer patients. Mol Genet Genomic Med. 2019 Jun;7(6):e672. PMID: 30972954. Gao X et al. Comprehensive profiling of BRCA1 and BRCA2 variants in breast and ovarian cancer in Chinese patients. Hum Mutat. 2020 Mar;41(3):696-708. PMID: 31825140. Wen WX et al. Inherited mutations in BRCA1 and BRCA2 in an unselected multiethnic cohort of Asian patients with breast cancer and healthy controls from Malaysia. J Med Genet. 2018 Feb;55(2):97-103. PMID: 28993434. You Y et al. Germline and Somatic BRCA1/2 Mutations in 172 Chinese Women With Epithelial Ovarian Cancer. Front Oncol. 2020 Mar 10;10:295. PMID: 32211327.

Ambry Genetics
Classification: Pathogenic for Hereditary cancer-predisposing syndrome. Last evaluated: 2024-11-25. Review status: criteria provided, single submitter. Criteria: Ambry Variant Classification Scheme 2023. Collection method: clinical testing. Allele origin: germline. Not counted in ClinVar's aggregate classification.
Comment: The c.3288_3289delAA pathogenic mutation, located in coding exon 9 of the BRCA1 gene, results from a deletion of two nucleotides at nucleotide positions 3288 to 3289, causing a translational frameshift with a predicted alternate stop codon (p.L1098Sfs*4). This alteration has been identified in multiple individuals diagnosed with breast and/or ovarian cancer (Peyrat JP et al. Eur. J. Cancer Prev. 1998 Feb;7 Suppl 1:S7-12; Zhang S et al. Gynecol. Oncol. 2011 May;121:353-7; Momozawa Y et al. Nat Commun, 2018 10;9:4083; Wen WX et al. J Med Genet, 2018 02;55:97-103; Deng H et al. Mol Genet Genomic Med, 2019 06;7:e672; Zeng C et al. Breast Cancer Res Treat, 2020 Jun;181:465-473). Additionally, this alteration was identified in a large, worldwide study of BRCA1/2 mutation positive families (Rebbeck TR et al. Hum Mutat, 2018 05;39:593-620). This variant is considered to be rare based on population cohorts in the Genome Aggregation Database (gnomAD). Of note, this alteration is also designated as 3407delAA in published literature. In addition to the clinical data presented in the literature, this alteration is expected to result in loss of function by premature protein truncation or nonsense-mediated mRNA decay. As such, this alteration is interpreted as a disease-causing mutation.

Baylor Genetics
Classification: Pathogenic for Breast-ovarian cancer, familial, susceptibility to, 1. Last evaluated: 2023-03-31. Review status: criteria provided, single submitter. Criteria: ACMG Guidelines, 2015. Collection method: clinical testing. Allele origin: unknown. Not counted in ClinVar's aggregate classification.

Color Diagnostics, LLC DBA Color Health
Classification: Pathogenic for Hereditary cancer-predisposing syndrome. Last evaluated: 2022-07-25. Review status: criteria provided, single submitter. Criteria: ACMG Guidelines, 2015. Collection method: clinical testing. Allele origin: germline. Not counted in ClinVar's aggregate classification.
Comment: This variant deletes 2 nucleotides in exon 10 of the BRCA1 gene, creating a frameshift and premature translation stop signal. This variant is expected to result in an absent or non-functional protein product. This variant has been reported in at least five individuals affected with breast cancer and/or ovarian cancer (PMID: 10866029, 15063971, 21324516, 26187060, 30287823). This variant has not been identified in the general population by the Genome Aggregation Database (gnomAD). Loss of BRCA1 function is a known mechanism of disease. Based on the available evidence, this variant is classified as Pathogenic.

GeneKor MSA
Classification: Pathogenic. Last evaluated: 2020-01-01. Review status: criteria provided, single submitter. Criteria: ACMG Guidelines, 2015. Collection method: clinical testing. Allele origin: germline. Not counted in ClinVar's aggregate classification.
Comment: This variant is a deletion of two nucleotides, resulting in a frameshift and the creation of a novel stop codon after 4 amino acid residues. It is expected to result in an absent or disrupted protein product. Truncating variants in the BRCA1 gene are known to be pathogenic. The mutation is also known as BRCA1 3407delAA. The mutation database Clinvar contains entries for this variant (Variation ID: 54821).

NM_007294.4(BRCA1):c.3288_3289del (p.Leu1098fs)

Genes: BRCA1 (BRCA1 DNA repair associated; minus strand), LOC126862571 (BRD4-independent group 4 enhancer GRCh37_chr17:41243136-41244335; plus strand). Cytogenetic location: 17q21.31.
Variant type: Deletion.
Coding change: c.3288_3289del on transcript NM_007294.4 (MANE Select); coding-DNA positions 3288 to 3289, 2 bases deleted (AA; older notation c.3288_3289delAA).
Protein change: p.Leu1098fs; shifts the reading frame from leucine 1098.
Molecular consequence: frameshift variant. On other transcripts: intron variant (137).
Genome position (GRCh38, 1-based): chr17:43,092,242-43,092,243, TT deleted on the plus strand (AA on the coding strand, the reverse complement: BRCA1 is on the minus strand); deleting any 2 consecutive bases within chr17:43,092,242-43,092,244 gives the same sequence; the c. name uses the placement nearest the transcript's 3' end. VCF-style (leftmost placement, unchanged base first): chr17-43092241-CTT-C. GRCh37 (hg19) VCF-style: chr17-41244258-CTT-C.
Other names: 3407delAA; c.3288_3289delAA (NM_007294.3); c.3165_3166del, p.Leu1057fs (NM_001407674.1, NM_001407675.1, NM_001407676.1 and 19 more transcripts); c.3288_3289del, p.Leu1098fs (NM_001407684.1, NM_001407854.1, NM_001407858.1 and 30 more transcripts); c.3162_3163del, p.Leu1056fs (NM_001407685.1, NM_001407686.1, NM_001407687.1 and 11 more transcripts); c.3147_3148del, p.Leu1051fs (NM_001407692.1, NM_001407694.1, NM_001407695.1 and 29 more transcripts); c.3144_3145del, p.Leu1050fs (NM_001407740.1, NM_001407741.1, NM_001407742.1 and 20 more transcripts); c.3075_3076del, p.Leu1027fs (NM_001407853.1, NM_001407894.1, NM_001407895.1 and 9 more transcripts); and 43 more; short protein forms L1098fs, L1051fs, L1009fs, L971fs, L987fs, L1010fs, L1027fs, L1050fs.
Identifiers: ClinVar variation 54821 (VCV000054821.30), dbSNP rs80357686, ClinGen allele CA002121.